The following is an entry in ClinVar:

NM_182914.3(SYNE2):c.1574T>G (p.Phe525Cys)

Gene: SYNE2 (spectrin repeat containing nuclear envelope protein 2; plus strand). Cytogenetic location: 14q23.2.
Variant type: single nucleotide variant.
Coding change: c.1574T>G on transcript NM_182914.3 (MANE Select); coding-DNA position 1574, T replaced by G.
Protein change: p.Phe525Cys; replaces phenylalanine 525 with cysteine.
Molecular consequence: missense variant.
Genome position (GRCh38, 1-based): chr14:63,980,658, T>G. VCF-style: chr14-63980658-T-G. GRCh37 (hg19) VCF-style: chr14-64447376-T-G.
Other names: c.1574T>G, p.Phe525Cys (NM_015180.6); short protein forms F525C.
Identifiers: ClinVar variation 935047 (VCV000935047.9), dbSNP rs2096578814, ClinGen allele CA389959204.
Genomic context (GRCh38, chr14:63,980,658, plus strand): 5'-TCTTGGCACAATTTTAAAAGTAAAAACTGTCAATATGTTTTTTGTTTTCTTCCCAGAAAT[T>G]TATTGAAGAAAAAGAATTCCTAGCTCGACTTGATACTTCTTTTCAAAAATGTGGAGAAAT-3'
Protein context (NP_878918.2, residues 515-535): VELLLEDWHK[Phe525Cys]IEEKEFLARL

ClinVar aggregate classification (germline): Uncertain significance (1 of 4 stars; one submission).

Conditions:
Emery-Dreifuss muscular dystrophy 5, autosomal dominant (EDMD5). Also called: EMERY-DREIFUSS MUSCULAR DYSTROPHY 5. Identifiers: Orphanet 261, MedGen C2751805, MONDO:0013072, OMIM 612999.

Allele frequency attached by ClinVar (database versions not stated): gnomAD exomes below 0.00001; TOPMed below 0.00001.
gnomAD v4.1: 5 of 1,591,372 alleles (0.00031%); highest among the groups gnomAD compares: Middle Eastern, 0.017%; no homozygotes.

Submission:

Labcorp Genetics (formerly Invitae), Labcorp
Classification: Uncertain significance for Emery-Dreifuss muscular dystrophy 5, autosomal dominant. Last evaluated: 2019-06-19. Review status: criteria provided, single submitter. Criteria: Invitae Variant Classification Sherloc (09022015). Collection method: clinical testing. Allele origin: germline.
Comment: In summary, the available evidence is currently insufficient to determine the role of this variant in disease. Therefore, it has been classified as a Variant of Uncertain Significance. Algorithms developed to predict the effect of missense changes on protein structure and function are either unavailable or do not agree on the potential impact of this missense change (SIFT: "Deleterious"; PolyPhen-2: "Probably Damaging"; Align-GVGD: "Class C0"). This variant has not been reported in the literature in individuals with SYNE2-related conditions. This variant is not present in population databases (ExAC no frequency). This sequence change replaces phenylalanine with cysteine at codon 525 of the SYNE2 protein (p.Phe525Cys). The phenylalanine residue is moderately conserved and there is a large physicochemical difference between phenylalanine and cysteine.